The following is an entry in ClinVar:

ClinVar aggregate classification (germline): Uncertain significance (1 of 4 stars; one submission).

Conditions:
Arginine:glycine amidinotransferase deficiency (CCDS3). Also called: Creatine deficiency syndrome due to AGAT deficiency; GATM deficiency; Cerebral creatine deficiency syndrome 3; AGAT deficiency; L-Arginine:Glycine Amidinotransferase Deficiency; L-Arginine:Glycine Amidinotransferase (AGAT) Deficiency. Identifiers: Orphanet 35704, MedGen C2675179, MONDO:0012996, OMIM 612718.

Submission:

Labcorp Genetics (formerly Invitae), Labcorp
Classification: Uncertain significance for Arginine:glycine amidinotransferase deficiency. Last evaluated: 2025-07-13. Review status: criteria provided, single submitter. Criteria: Invitae Variant Classification Sherloc (09022015). Collection method: clinical testing. Allele origin: germline.
Comment: This sequence change falls in intron 1 of the GATM gene. It does not directly change the encoded amino acid sequence of the GATM protein. This variant is not present in population databases (gnomAD no frequency). This variant has not been reported in the literature in individuals affected with GATM-related conditions. Algorithms developed to predict the effect of sequence changes on RNA splicing suggest that this variant may disrupt the consensus splice site. In summary, the available evidence is currently insufficient to determine the role of this variant in disease. Therefore, it has been classified as a Variant of Uncertain Significance.

NM_001482.3(GATM):c.70-16_70-12del

Gene: GATM (glycine amidinotransferase; minus strand). Cytogenetic location: 15q21.1.
Variant type: Microsatellite.
Coding change: c.70-16_70-12del on transcript NM_001482.3 (MANE Select); 16 bases into the intron before coding-DNA position 70 through 12 bases into the intron before coding-DNA position 70, 5 bases deleted (TCTTT; older notation c.70-16_70-12delTCTTT).
Molecular consequence: intron variant.
Genome position (GRCh38, 1-based): chr15:45,376,831-45,376,835, AAAGA deleted on the plus strand (TCTTT on the coding strand, the reverse complement: GATM is on the minus strand); deleting any 5 consecutive bases within chr15:45,376,831-45,376,840 gives the same sequence; the c. name uses the placement nearest the transcript's 3' end. VCF-style (leftmost placement, unchanged base first): chr15-45376830-CAAAGA-C. GRCh37 (hg19) VCF-style: chr15-45669028-CAAAGA-C.
Other names: c.-318-16_-318-12del (NM_001321015.2).
Identifiers: ClinVar variation 4798667 (VCV004798667.1).